The following continues an entry in ClinVar:

NM_000277.3(PAH):c.261C>A (p.Ser87Arg)

Gene: PAH. ClinVar aggregate classification (germline): Pathogenic. Pathogenic (1).

Submissions 12 to 16 of 16:

PreventionGenetics, part of Exact Sciences
Classification: Pathogenic for PAH-related condition. Last evaluated: 2024-03-07. Review status: no assertion criteria provided. Collection method: clinical testing. Allele origin: germline. Not counted in ClinVar's aggregate classification.
Comment: The PAH c.261C>A variant is predicted to result in the amino acid substitution p.Ser87Arg. This variant has been reported along with a second causative PAH variant in multiple patients with phenylalanine hydroxylase deficiency (Guldberg et al. 1994. PubMed ID: 8088845; Zekanowski et al. 1999. PubMed ID: 10495930; Desviat et al. 2004. PubMed ID: 15464430; Jeannesson-Thivisol et al. 2015. PubMed ID: 26666653; Table S3, Hillert A et al 2020. PubMed ID: 32668217). This variant has been reported to be associated with mild hyperphenylalaninemia (Table S2, Hillert A et al 2020. PubMed ID: 32668217). Internally, we have observed this variant along with a second causative PAH variant in patients with abnormal newborn screen results suggestive of phenylalanine hydroxylase deficiency. The p.Ser87 amino acid resides in the PAH regulatory domain, and in functional studies the p.Ser87Arg substitution has been reported to reduce activity of the PAH enzyme to between ~25-82% of wild-type (Gjetting et al. 2001. PubMed ID: 11161839; Couce et al. 2013. PubMed ID: 23500595). The p.Ser87Arg substitution has been reported to result in a PAH enzyme that is responsive to tetrahydrobiopterin (BH4) (Zurflüh et al. 2008. PubMed ID: 17935162). A different nucleotide change leading to the same amino acid substitution (c.259A>C, p.Ser87Arg) has also been reported in association with phenylalanine hydroxylase deficiency (Himmelreich et al. 2018. PubMed ID: 30037505). The c.261C>A (p.Ser87Arg) variant is reported in 0.013% of alleles in individuals of European (Non-Finnish) descent in gnomAD. Based on these observations, this variant is interpreted as pathogenic.

OMIM
Classification: Pathogenic for HYPERPHENYLALANINEMIA, NON-PKU. Last evaluated: 1994-05-15. Review status: no assertion criteria provided. Collection method: literature only. Allele origin: germline. Not counted in ClinVar's aggregate classification.

Clinical Genetics DNA and cytogenetics Diagnostics Lab, Erasmus MC, Erasmus Medical Center
Classification: Pathogenic. Review status: no assertion criteria provided. Collection method: clinical testing. Allele origin: germline. Affected: yes. Study: VKGL Data-share Consensus. Not counted in ClinVar's aggregate classification.

DeBelle Laboratory for Biochemical Genetics, MUHC/MCH RESEARCH INSTITUTE
No classification provided. Review status: no classification provided. Collection method: not provided. Allele origin: not provided. Not counted in ClinVar's aggregate classification.

Diagnostic Laboratory, Department of Genetics, University Medical Center Groningen
Classification: Pathogenic. Review status: no assertion criteria provided. Collection method: clinical testing. Allele origin: germline. Affected: yes. Study: VKGL Data-share Consensus. Not counted in ClinVar's aggregate classification.

Literature cited by the submitters: PubMed 8088845 (cited by 3 submitters); PubMed 10495930 (cited by Labcorp Genetics (formerly Invitae), Labcorp and Illumina Laboratory Services, Illumina); PubMed 23500595 (cited by Labcorp Genetics (formerly Invitae), Labcorp and Illumina Laboratory Services, Illumina); PubMed 33465300 (cited by Natera, Inc.); PubMed 26542770 (cited by Natera, Inc.); PubMed 8406445 (cited by Ambry Genetics); PubMed 15464430 (cited by Ambry Genetics and Illumina Laboratory Services, Illumina); PubMed 23514811 (cited by Ambry Genetics and Illumina Laboratory Services, Illumina); PubMed 26666653 (cited by Ambry Genetics); PubMed 31623983 (cited by Ambry Genetics); PubMed 17935162 (cited by Illumina Laboratory Services, Illumina); PubMed 27469133 (cited by Illumina Laboratory Services, Illumina).